The following is an entry in ClinVar:

ClinVar aggregate classification (germline): Uncertain significance (1 of 4 stars; one submission).

Conditions:
Primary ciliary dyskinesia 27. Also called: CILIARY DYSKINESIA, PRIMARY, 27, WITHOUT SITUS INVERSUS. Identifiers: Orphanet 244, MedGen C3809701, MONDO:0014215, OMIM 615504.

Submission:

Labcorp Genetics (formerly Invitae), Labcorp
Classification: Uncertain significance for Primary ciliary dyskinesia 27. Last evaluated: 2024-12-18. Review status: criteria provided, single submitter. Criteria: Invitae Variant Classification Sherloc (09022015). Collection method: clinical testing. Allele origin: germline.
Comment: This sequence change replaces leucine, which is neutral and non-polar, with proline, which is neutral and non-polar, at codon 425 of the CCDC65 protein (p.Leu425Pro). This variant is not present in population databases (gnomAD no frequency). This variant has not been reported in the literature in individuals affected with CCDC65-related conditions. An algorithm developed to predict the effect of missense changes on protein structure and function (PolyPhen-2) suggests that this variant is likely to be disruptive. In summary, the available evidence is currently insufficient to determine the role of this variant in disease. Therefore, it has been classified as a Variant of Uncertain Significance.

NM_033124.5(DRC2):c.1274T>C (p.Leu425Pro)

Gene: DRC2 (dynein regulatory complex subunit 2; plus strand). Cytogenetic location: 12q13.12.
Variant type: single nucleotide variant.
Coding change: c.1274T>C on transcript NM_033124.5 (MANE Select); coding-DNA position 1274, T replaced by C.
Protein change: p.Leu425Pro; replaces leucine 425 with proline.
Molecular consequence: missense variant.
Genome position (GRCh38, 1-based): chr12:48,921,262, T>C. VCF-style: chr12-48921262-T-C. GRCh37 (hg19) VCF-style: chr12-49315045-T-C.
Other names: c.845T>C, p.Leu282Pro (NM_001286957.2); short protein forms L282P, L425P.
Identifiers: ClinVar variation 3684191 (VCV003684191.2).
Genomic context (GRCh38, chr12:48,921,262, plus strand): 5'-GGAAAAGGTACAACAAAGTGAAACTGGAGCAACTGAGCCTCCAACATAGACGAGCCCAGC[T>C]GCTAGATATCAATGGGAAGCTGCGGGAGATGCTGAAGCAGTACTTGGATGGCATCTCAGT-3'
Protein context (NP_149115.2, residues 415-435): QLSLQHRRAQ[Leu425Pro]LDINGKLREM